The following is an entry in ClinVar:

ClinVar aggregate classification (germline): Pathogenic (1 of 4 stars; one submission).

Conditions:
Long QT syndrome (LQTS). Identifiers: MedGen C0023976, MeSH D008133, MONDO:0002442. Disease mechanism: loss of function. Inheritance: Various modes of inheritance.

Submission:

Labcorp Genetics (formerly Invitae), Labcorp
Classification: Pathogenic for Long QT syndrome. Last evaluated: 2025-12-26. Review status: criteria provided, single submitter. Criteria: Invitae Variant Classification Sherloc (09022015). Collection method: clinical testing. Allele origin: germline.
Comment: This sequence change affects the initiator codon of the KCNQ1 mRNA. This change may impact translation initiation or efficiency. The next in-frame methionine is located at codon 159. The frequency data for this variant in the population databases is considered unreliable, as metrics indicate insufficient coverage at this position in the gnomAD database. Disruption of the initiator codon has been observed in individual(s) with Jervell-Lange Nielsen syndrome and/or long QT syndrome (PMID: 17470695, 21380488). ClinVar contains an entry for this variant (Variation ID: 220309). Algorithms developed to predict the effect of variants on gene product structure and function are not available or were not evaluated for this variant. Experimental studies have shown that disruption of the initiator codon affects KCNQ1 function (PMID: 21380488). For these reasons, this variant has been classified as Pathogenic.

Literature cited by the submitters: PubMed 17470695; PubMed 21380488.

NM_000218.3(KCNQ1):c.1A>T (p.Met1Leu)

Gene: KCNQ1 (potassium voltage-gated channel subfamily Q member 1; plus strand). Cytogenetic location: 11p15.5.
Variant type: single nucleotide variant.
Coding change: c.1A>T on transcript NM_000218.3 (MANE Select); coding-DNA position 1, A replaced by T.
Protein change: p.Met1Leu; changes the start codon (methionine 1).
Molecular consequence: missense variant, initiator codon variant.
Genome position (GRCh38, 1-based): chr11:2,445,099, A>T. VCF-style: chr11-2445099-A-T. GRCh37 (hg19) VCF-style: chr11-2466329-A-T.
Other names: short protein forms M1L.
Identifiers: ClinVar variation 220309 (VCV000220309.11), dbSNP rs199473441, ClinGen allele CA350383.
Genomic context (GRCh38, chr11:2,445,099, plus strand): 5'-CCTTCGCTGCAGCTCCCGGTGCCGCCGCTCGGGCCGGCCCCCCGGCAGGCCCTCCTCGTT[A>T]TGGCCGCGGCCTCCTCCCCGCCCAGGGCCGAGAGGAAGCGCTGGGGTTGGGGCCGCCTGC-3'
Protein context (NP_000209.2, residues 1-11): [Met1Leu]AAASSPPRAE